The following is an entry in ClinVar:

NM_017612.5(ZCCHC8):c.1683T>G (p.Asn561Lys)

Gene: ZCCHC8 (zinc finger CCHC-type containing 8; minus strand). Cytogenetic location: 12q24.31.
Variant type: single nucleotide variant.
Coding change: c.1683T>G on transcript NM_017612.5 (MANE Select); coding-DNA position 1683, T replaced by G.
Protein change: p.Asn561Lys; replaces asparagine 561 with lysine.
Molecular consequence: missense variant.
Genome position (GRCh38, 1-based): chr12:122,473,938, A>C on the plus strand (T>G on the coding strand, the complement: ZCCHC8 is on the minus strand). VCF-style: chr12-122473938-A-C. GRCh37 (hg19) VCF-style: chr12-122958485-A-C.
Other names: c.1452T>G, p.Asn484Lys (NM_001350935.2); c.1386T>G, p.Asn462Lys (NM_001350936.2); c.969T>G, p.Asn323Lys (NM_001350937.2, NM_001350938.2); short protein forms N323K, N462K, N484K, N561K.
Identifiers: ClinVar variation 1501282 (VCV001501282.6), dbSNP rs536057037, ClinGen allele CA6846110.
Genomic context (GRCh38, chr12:122,473,938, plus strand): 5'-AGGCTCATCCAGCGTCTGCTTTTCAGATGTTTTTCCCTCCGGGACAGGGAGGTCTAGCTC[A>C]TTTGGACAAGGTGATGAGGCAACGGAATTGCCAGTTAAAGGTGTGTCCACAGGAACGTCG-3'
Protein context (NP_060082.2, residues 551-571): GNSVASSPCP[Asn561Lys]ELDLPVPEGK

ClinVar aggregate classification (germline): Uncertain significance (1 of 4 stars; one submission).

Allele frequency attached by ClinVar (database versions not stated): TOPMed below 0.00001; gnomAD exomes 0.00003 and 0.00005; ExAC 0.00006; 1000 Genomes Project 30x 0.00047; gnomAD 0.00004; 1000 Genomes Project 0.00060.
gnomAD v4.1: 49 of 1,612,284 alleles (0.003%); highest among the groups gnomAD compares: South Asian, 0.046%; 1 homozygote.

Submission:

Labcorp Genetics (formerly Invitae), Labcorp
Classification: Uncertain significance. Last evaluated: 2022-08-30. Review status: criteria provided, single submitter. Criteria: Invitae Variant Classification Sherloc (09022015). Collection method: clinical testing. Allele origin: germline.
Comment: In summary, the available evidence is currently insufficient to determine the role of this variant in disease. Therefore, it has been classified as a Variant of Uncertain Significance. Algorithms developed to predict the effect of sequence changes on RNA splicing suggest that this variant may create or strengthen a splice site. Algorithms developed to predict the effect of missense changes on protein structure and function are either unavailable or do not agree on the potential impact of this missense change (SIFT: "Tolerated"; PolyPhen-2: "Not Available"; Align-GVGD: "Class C0"). ClinVar contains an entry for this variant (Variation ID: 1501282). This variant has not been reported in the literature in individuals affected with ZCCHC8-related conditions. This variant is present in population databases (rs536057037, gnomAD 0.03%). This sequence change replaces asparagine, which is neutral and polar, with lysine, which is basic and polar, at codon 561 of the ZCCHC8 protein (p.Asn561Lys).